The following is an entry in ClinVar:

NM_000488.4(SERPINC1):c.410T>C (p.Val137Ala)

Gene: SERPINC1 (serpin family C member 1; minus strand). Cytogenetic location: 1q25.1.
Variant type: single nucleotide variant.
Coding change: c.410T>C on transcript NM_000488.4 (MANE Select); coding-DNA position 410, T replaced by C.
Protein change: p.Val137Ala; replaces valine 137 with alanine.
Molecular consequence: missense variant. On other transcripts: intron variant (1).
Genome position (GRCh38, 1-based): chr1:173,912,013, A>G on the plus strand (T>C on the coding strand, the complement: SERPINC1 is on the minus strand). VCF-style: chr1-173912013-A-G. GRCh37 (hg19) VCF-style: chr1-173881151-A-G.
Other names: c.266T>C, p.Val89Ala (NM_001365052.2); c.410T>C, p.Val137Ala (NM_001386302.1, NM_001386304.1, NM_001386305.1); c.491T>C, p.Val164Ala (NM_001386303.1); c.409-1122T>C (NM_001386306.1); short protein forms V89A, V137A, V164A.
Identifiers: ClinVar variation 942322 (VCV000942322.6), dbSNP rs1657792806, ClinGen allele CA343776881.

ClinVar aggregate classification (germline): Uncertain significance (1 of 4 stars; one submission).

Conditions:
Hereditary antithrombin deficiency (AT3D). Also called: Antithrombin III deficiency; Thrombophilia due to antithrombin III deficiency; Reduced antithrombin III activity; Antithrombin deficiency. Identifiers: Orphanet 82, MedGen C0272375, MONDO:0013144, OMIM 613118, HP:0001976.

Submission:

Labcorp Genetics (formerly Invitae), Labcorp
Classification: Uncertain significance for Hereditary antithrombin deficiency. Last evaluated: 2024-01-13. Review status: criteria provided, single submitter. Criteria: Invitae Variant Classification Sherloc (09022015). Collection method: clinical testing. Allele origin: germline.
Comment: This sequence change replaces valine, which is neutral and non-polar, with alanine, which is neutral and non-polar, at codon 137 of the SERPINC1 protein (p.Val137Ala). This variant is not present in population databases (gnomAD no frequency). This missense change has been observed in individual(s) with autosomal dominant antithrombin deficiency (PMID: 30975910). ClinVar contains an entry for this variant (Variation ID: 942322). An algorithm developed to predict the effect of missense changes on protein structure and function (PolyPhen-2) suggests that this variant is likely to be disruptive. In summary, the available evidence is currently insufficient to determine the role of this variant in disease. Therefore, it has been classified as a Variant of Uncertain Significance.

Literature cited by the submitters: PubMed 30975910.